The following is an entry in ClinVar:

ClinVar aggregate classification (germline): Pathogenic/Likely pathogenic. Review status: criteria provided, multiple submitters, no conflicts (2 of 4 stars). 2 submissions from 2 submitters: Pathogenic (1); Likely pathogenic (1). Last evaluated 2024-12-10.

Conditions:
ZTTK syndrome (ZTTKS). Also called: Zhu-Tokita-Takenouchi-Kim Syndrome; ZTTK MULTIPLE CONGENITAL ANOMALIES-MENTAL RETARDATION SYNDROME. Identifiers: Orphanet 500150, MedGen C4310696, MONDO:0014936, OMIM 617140.

Submissions (2):

Institute of Human Genetics, University of Leipzig Medical Center
Classification: Pathogenic for ZTTK syndrome. Last evaluated: 2024-12-10. Review status: criteria provided, single submitter. Criteria: ACMG Guidelines, 2015. Collection method: clinical testing. Allele origin: unknown. Inheritance: Autosomal dominant inheritance. Affected: yes.
Comment: Criteria applied: PVS1,PM2

3billion
Classification: Likely pathogenic for ZTTK syndrome. Last evaluated: 2023-06-21. Review status: criteria provided, single submitter. Criteria: ACMG Guidelines, 2015. Collection method: clinical testing. Allele origin: germline. Affected: yes.
Comment: The variant is not observed in the gnomAD v2.1.1 dataset. Predicted Consequence/Location: Frameshift: predicted to result in a loss or disruption of normal protein function through nonsense-mediated decay (NMD) or protein truncation. Multiple pathogenic variants are reported downstream of the variant. Therefore, this variant is classified as Likely pathogenic according to the recommendation of ACMG/AMP guideline.

NM_138927.4(SON):c.4897_4900del (p.Thr1633fs)

Gene: SON (SON DNA and RNA binding protein; plus strand). Cytogenetic location: 21q22.11.
Variant type: Deletion.
Coding change: c.4897_4900del on transcript NM_138927.4 (MANE Select); coding-DNA positions 4897 to 4900, 4 bases deleted (ACTA; older notation c.4897_4900delACTA).
Protein change: p.Thr1633fs; shifts the reading frame from threonine 1633.
Molecular consequence: frameshift variant. On other transcripts: non-coding transcript variant (1), intron variant (1).
Genome position (GRCh38, 1-based): chr21:33,554,128-33,554,131, ACTA deleted; deleting any 4 consecutive bases within chr21:33,554,126-33,554,131 gives the same sequence; the c. name uses the placement nearest the transcript's 3' end. VCF-style (leftmost placement, unchanged base first): chr21-33554125-TTAAC-T. GRCh37 (hg19) VCF-style: chr21-34926431-TTAAC-T.
Other names: c.4897_4900del, p.Thr1633fs (NM_001291411.2, NM_032195.3); c.245-3028_245-3025del (NM_001291412.3); short protein forms T1633fs.
Identifiers: ClinVar variation 3572884 (VCV003572884.2).
Genomic context (GRCh38, chr21:33,554,125, plus strand): 5'-ATTGAATTTACCACAGCATCTACTCTCAGTTTAGTTAATAAATATGATGTTGATTTATCT[TTAAC>T]TACTCAAGATACTGAACATGACATGGTAATTTCCACCAGTCCTAGTGGTGGTAGTGAAGC-3'